The following is an entry in ClinVar:

NM_004364.5(CEBPA):c.824A>T (p.Lys275Met)

Gene: CEBPA (CCAAT enhancer binding protein alpha; minus strand). Cytogenetic location: 19q13.11.
Variant type: single nucleotide variant.
Coding change: c.824A>T on transcript NM_004364.5 (MANE Select); coding-DNA position 824, A replaced by T.
Protein change: p.Lys275Met; replaces lysine 275 with methionine.
Molecular consequence: missense variant.
Genome position (GRCh38, 1-based): chr19:33,301,591, T>A on the plus strand (A>T on the coding strand, the complement: CEBPA is on the minus strand). VCF-style: chr19-33301591-T-A. GRCh37 (hg19) VCF-style: chr19-33792497-T-A.
Other names: c.467A>T, p.Lys156Met (NM_001285829.2); c.929A>T, p.Lys310Met (NM_001287424.2); c.782A>T, p.Lys261Met (NM_001287435.2); short protein forms K310M, K156M, K275M, K261M.
Identifiers: ClinVar variation 3661609 (VCV003661609.2).

ClinVar aggregate classification (germline): Uncertain significance (1 of 4 stars; one submission).

Conditions:
Acute myeloid leukemia (AML). Also called: Acute myeloid leukemia, adult; AML adult; Acute non-lymphocytic leukemia; Acute granulocytic leukemia; Leukemia, acute myeloid, somatic; Leukemia, acute myelogenous, somatic. Identifiers: Orphanet 519, MedGen C0023467, MeSH D015470, MONDO:0018874, OMIM 601626, HP:0004808. Disease mechanism: Constitutively activated FLT3.

Submission:

Labcorp Genetics (formerly Invitae), Labcorp
Classification: Uncertain significance for Acute myeloid leukemia. Last evaluated: 2024-08-06. Review status: criteria provided, single submitter. Criteria: Invitae Variant Classification Sherloc (09022015). Collection method: clinical testing. Allele origin: germline.
Comment: This sequence change replaces lysine, which is basic and polar, with methionine, which is neutral and non-polar, at codon 275 of the CEBPA protein (p.Lys275Met). This variant is not present in population databases (gnomAD no frequency). This variant has not been reported in the literature in individuals affected with CEBPA-related conditions. Advanced modeling of protein sequence and biophysical properties (such as structural, functional, and spatial information, amino acid conservation, physicochemical variation, residue mobility, and thermodynamic stability) performed at Invitae indicates that this missense variant is expected to disrupt CEBPA protein function with a positive predictive value of 80%. In summary, the available evidence is currently insufficient to determine the role of this variant in disease. Therefore, it has been classified as a Variant of Uncertain Significance.